The following is an entry in ClinVar:

ClinVar aggregate classification (germline): Likely benign. Review status: criteria provided, multiple submitters, no conflicts (2 of 4 stars). 3 submissions from 3 submitters: Likely benign (2). 1 of the submissions does not count toward it. Last evaluated 2025-10-23.

Conditions:
PEX6-related disorder. Also called: PEX6-related condition; PEX6-related disorders.
Peroxisome biogenesis disorder. Identifiers: Orphanet 79189, MedGen C1832200, MONDO:0019234. Disease mechanism: loss of function.

Allele frequency attached by ClinVar (database versions not stated): gnomAD exomes 0.00001.
gnomAD v4.1: 12 of 1,613,826 alleles (0.00074%); highest among the groups gnomAD compares: East Asian, 0.0045%; no homozygotes.

Submissions (3):

Labcorp Genetics (formerly Invitae), Labcorp
Classification: Likely benign for Peroxisome biogenesis disorder. Last evaluated: 2025-10-23. Review status: criteria provided, single submitter. Criteria: Invitae Variant Classification Sherloc (09022015). Collection method: clinical testing. Allele origin: germline.

Blueprint Genetics
Classification: Likely benign. Last evaluated: 2018-12-17. Review status: criteria provided, single submitter. Criteria: ACMG Guidelines, 2015. Collection method: clinical testing. Allele origin: germline.

PreventionGenetics, part of Exact Sciences
Classification: Likely benign for PEX6-related condition. Last evaluated: 2021-10-13. Review status: no assertion criteria provided. Collection method: clinical testing. Allele origin: germline. Not counted in ClinVar's aggregate classification.
Comment: This variant is classified as likely benign based on ACMG/AMP sequence variant interpretation guidelines (Richards et al. 2015 PMID: 25741868, with internal and published modifications).

NM_000287.4(PEX6):c.2865C>T (p.Ala955=)

Gene: PEX6 (peroxisomal biogenesis factor 6; minus strand). Cytogenetic location: 6p21.1.
Variant type: single nucleotide variant.
Coding change: c.2865C>T on transcript NM_000287.4 (MANE Select); coding-DNA position 2865, C replaced by T.
Protein change: p.Ala955=; no amino-acid change (alanine 955 retained).
Molecular consequence: synonymous variant. On other transcripts: non-coding transcript variant (1).
Genome position (GRCh38, 1-based): chr6:42,964,413, G>A on the plus strand (C>T on the coding strand, the complement: PEX6 is on the minus strand). VCF-style: chr6-42964413-G-A. GRCh37 (hg19) VCF-style: chr6-42932151-G-A.
Other names: c.2601C>T, p.Ala867= (NM_001316313.2); c.2865C>T (NM_000287.3).
Identifiers: ClinVar variation 1125969 (VCV001125969.12), dbSNP rs1407928755, ClinGen allele CA450252908.